The following is an entry in ClinVar:

ClinVar aggregate classification (germline): Likely benign (0 of 4 stars; one submission).

Conditions:
SLC27A5-related disorder. Also called: SLC27A5-related condition.

Allele frequency attached by ClinVar (database versions not stated): TOPMed 0.00001; gnomAD 0.00008; gnomAD exomes 0.00009; ExAC 0.00035; 1000 Genomes Project 30x 0.00047; 1000 Genomes Project 0.00060.
gnomAD v4.1: 153 of 1,613,464 alleles (0.0095%); highest among the groups gnomAD compares: South Asian, 0.14%; 3 homozygotes.

Submission:

PreventionGenetics, part of Exact Sciences
Classification: Likely benign for SLC27A5-related condition. Last evaluated: 2024-01-04. Review status: no assertion criteria provided. Collection method: clinical testing. Allele origin: germline.
Comment: This variant is classified as likely benign based on ACMG/AMP sequence variant interpretation guidelines (Richards et al. 2015 PMID: 25741868, with internal and published modifications).

NM_012254.3(SLC27A5):c.812C>T (p.Ala271Val)

Gene: SLC27A5 (solute carrier family 27 member 5; minus strand). Cytogenetic location: 19q13.43.
Variant type: single nucleotide variant.
Coding change: c.812C>T on transcript NM_012254.3 (MANE Select); coding-DNA position 812, C replaced by T.
Protein change: p.Ala271Val; replaces alanine 271 with valine.
Molecular consequence: missense variant.
Genome position (GRCh38, 1-based): chr19:58,510,807, G>A on the plus strand (C>T on the coding strand, the complement: SLC27A5 is on the minus strand). VCF-style: chr19-58510807-G-A. GRCh37 (hg19) VCF-style: chr19-59022174-G-A.
Other names: c.560C>T, p.Ala187Val (NM_001321196.2); short protein forms A187V, A271V.
Identifiers: ClinVar variation 3052032 (VCV003052032.2), dbSNP rs528258407, ClinGen allele CA9718201.